The following is an entry in ClinVar:

ClinVar aggregate classification (germline): Uncertain significance (1 of 4 stars; one submission).

gnomAD v4.1: 1 of 1,614,012 alleles (0.000062%); highest among the groups gnomAD compares: Non-Finnish European, 0.000085%; no homozygotes.

Submission:

Ambry Genetics
Classification: Uncertain significance. Last evaluated: 2025-05-17. Review status: criteria provided, single submitter. Criteria: Ambry Variant Classification Scheme 2023. Collection method: clinical testing. Allele origin: germline.
Comment: The p.Y761H variant (also known as c.2281T>C), located in coding exon 1 of the MLH3 gene, results from a T to C substitution at nucleotide position 2281. The tyrosine at codon 761 is replaced by histidine, an amino acid with similar properties. This amino acid position is conserved. In addition, the in silico prediction for this alteration is inconclusive. Based on the available evidence, the clinical significance of this variant remains unclear.

NM_001040108.2(MLH3):c.2281T>C (p.Tyr761His)

Gene: MLH3 (mutL homolog 3; minus strand). Cytogenetic location: 14q24.3.
Variant type: single nucleotide variant.
Coding change: c.2281T>C on transcript NM_001040108.2 (MANE Select); coding-DNA position 2281, T replaced by C.
Protein change: p.Tyr761His; replaces tyrosine 761 with histidine.
Molecular consequence: missense variant.
Genome position (GRCh38, 1-based): chr14:75,047,375, A>G on the plus strand (T>C on the coding strand, the complement: MLH3 is on the minus strand). VCF-style: chr14-75047375-A-G. GRCh37 (hg19) VCF-style: chr14-75514078-A-G.
Other names: c.2281T>C, p.Tyr761His (NM_014381.3); short protein forms Y761H.
Identifiers: ClinVar variation 4055503 (VCV004055503.1).